The following is an entry in ClinVar:

NM_001101362.3(KBTBD13):c.-3G>A

Gene: KBTBD13 (kelch repeat and BTB domain containing 13; plus strand). Cytogenetic location: 15q22.31.
Variant type: single nucleotide variant.
Coding change: c.-3G>A on transcript NM_001101362.3 (MANE Select); 3 bases upstream of the start codon, G replaced by A.
Molecular consequence: 5 prime UTR variant.
Genome position (GRCh38, 1-based): chr15:65,076,813, G>A. VCF-style: chr15-65076813-G-A. GRCh37 (hg19) VCF-style: chr15-65369151-G-A.
Identifiers: ClinVar variation 3044066 (VCV003044066.2), dbSNP rs370681585, ClinGen allele CA7613829.

ClinVar aggregate classification (germline): Likely benign (0 of 4 stars; one submission).

Conditions:
KBTBD13-related disorder. Also called: KBTBD13-related condition.

Allele frequency attached by ClinVar (database versions not stated): gnomAD exomes 0.00004; gnomAD 0.00005; TOPMed 0.00005; ESP Exome Variant Server 0.00009; 1000 Genomes Project 30x 0.00016; ExAC 0.00020.

Submission:

PreventionGenetics, part of Exact Sciences
Classification: Likely benign for KBTBD13-related condition. Last evaluated: 2022-12-21. Review status: no assertion criteria provided. Collection method: clinical testing. Allele origin: germline.
Comment: This variant is classified as likely benign based on ACMG/AMP sequence variant interpretation guidelines (Richards et al. 2015 PMID: 25741868, with internal and published modifications).